The following is an entry in ClinVar:

NM_000082.4(ERCC8):c.95T>A (p.Leu32Ter)

Gene: ERCC8 (ERCC excision repair 8, CSA ubiquitin ligase complex subunit; minus strand). Cytogenetic location: 5q12.1.
Variant type: single nucleotide variant.
Coding change: c.95T>A on transcript NM_000082.4 (MANE Select); coding-DNA position 95, T replaced by A.
Protein change: p.Leu32Ter; replaces leucine 32 with a stop codon.
Molecular consequence: nonsense. On other transcripts: 5 prime UTR variant (2).
Genome position (GRCh38, 1-based): chr5:60,928,942, A>T on the plus strand (T>A on the coding strand, the complement: ERCC8 is on the minus strand). VCF-style: chr5-60928942-A-T. GRCh37 (hg19) VCF-style: chr5-60224769-A-T.
Other names: c.-298T>A (NM_001007233.3); c.95T>A, p.Leu32Ter (NM_001007234.3); c.-283T>A (NM_001290285.2); short protein forms L32*.
Identifiers: ClinVar variation 984265 (VCV000984265.3), dbSNP rs1749828987, ClinGen allele CA359828842.

ClinVar aggregate classification (germline): Likely pathogenic (1 of 4 stars; one submission).

Conditions:
Cockayne syndrome type 1. Also called: Cockayne syndrome type I; Cockayne syndrome classical; Cockayne syndrome classic form. Identifiers: Orphanet 191, Orphanet 90321, MedGen C0751039, MONDO:0019569, OMIM 216400.

Submission:

Myriad Genetics, Inc.
Classification: Likely pathogenic for Cockayne syndrome type 1. Last evaluated: 2019-12-28. Review status: criteria provided, single submitter. Criteria: Myriad Women's Health Autosomal Recessive and X-Linked Classification Criteria (2019). Collection method: clinical testing. Allele origin: unknown.
Comment: NM_000082.3(ERCC8):c.95T>A(L32*) is expected to be pathogenic in the context of ERCC8-related disorders. This variant is predicted to lead to an abnormal or absent protein product due to the creation of a premature termination codon in ERCC8, a gene where loss-of-function variants are known to be pathogenic. Please note: this variant was assessed in the context of healthy population screening.